The following is an entry in ClinVar:

NM_004577.4(PSPH):c.276-9A>C

Gene: PSPH (phosphoserine phosphatase; minus strand). Cytogenetic location: 7p11.2.
Variant type: single nucleotide variant.
Coding change: c.276-9A>C on transcript NM_004577.4 (MANE Select); 9 bases into the intron before coding-DNA position 276, A replaced by C.
Molecular consequence: intron variant.
Genome position (GRCh38, 1-based): chr7:56,017,388, T>G on the plus strand (A>C on the coding strand, the complement: PSPH is on the minus strand). VCF-style: chr7-56017388-T-G. GRCh37 (hg19) VCF-style: chr7-56085081-T-G.
Other names: c.276-9A>C (NM_001370513.1, NM_001370514.1, NM_001370509.1 and 17 more transcripts).
Identifiers: ClinVar variation 3348769 (VCV003348769.1).

ClinVar aggregate classification (germline): Likely benign (0 of 4 stars; one submission).

Conditions:
PSPH-related disorder. Also called: PSPH-related condition.

Submission:

PreventionGenetics, part of Exact Sciences
Classification: Likely benign for PSPH-related condition. Last evaluated: 2024-05-15. Review status: no assertion criteria provided. Collection method: clinical testing. Allele origin: germline.
Comment: This variant is classified as likely benign based on ACMG/AMP sequence variant interpretation guidelines (Richards et al. 2015 PMID: 25741868, with internal and published modifications).